The following is an entry in ClinVar:

ClinVar aggregate classification (germline): Uncertain significance (1 of 4 stars; one submission).

Submission:

Labcorp Genetics (formerly Invitae), Labcorp
Classification: Uncertain significance. Last evaluated: 2021-09-25. Review status: criteria provided, single submitter. Criteria: Invitae Variant Classification Sherloc (09022015). Collection method: clinical testing. Allele origin: germline.
Comment: This sequence change replaces histidine with glutamine at codon 479 of the ADSSL1 protein (p.His479Gln). This variant is not present in population databases (ExAC no frequency). This variant has not been reported in the literature in individuals affected with ADSSL1-related conditions. Algorithms developed to predict the effect of missense changes on protein structure and function are either unavailable or do not agree on the potential impact of this missense change (SIFT: "Not Available"; PolyPhen-2: "Probably Damaging"; Align-GVGD: "Not Available"). In summary, the available evidence is currently insufficient to determine the role of this variant in disease. Therefore, it has been classified as a Variant of Uncertain Significance.

NM_152328.5(ADSS1):c.1308C>A (p.His436Gln)

Gene: ADSS1 (adenylosuccinate synthase 1; plus strand). Cytogenetic location: 14q32.33.
Variant type: single nucleotide variant.
Coding change: c.1308C>A on transcript NM_152328.5 (MANE Select); coding-DNA position 1308, C replaced by A.
Protein change: p.His436Gln; replaces histidine 436 with glutamine.
Molecular consequence: missense variant.
Genome position (GRCh38, 1-based): chr14:104,746,372, C>A. VCF-style: chr14-104746372-C-A. GRCh37 (hg19) VCF-style: chr14-105212709-C-A.
Other names: c.693C>A, p.His231Gln (NM_001320424.1); c.1437C>A, p.His479Gln (NM_199165.2); short protein forms H231Q, H436Q, H479Q.
Identifiers: ClinVar variation 1682030 (VCV001682030.3), dbSNP rs746314019, ClinGen allele CA391245228.